The following is an entry in ClinVar:

ClinVar aggregate classification (germline): Benign/Likely benign. Review status: criteria provided, multiple submitters, no conflicts (2 of 4 stars). 5 submissions from 5 submitters: Benign (2); Likely benign (3). Last evaluated 2026-01-21.

Conditions:
Amyotrophic lateral sclerosis type 9 (ALS9). Identifiers: Orphanet 803, MedGen C2678468, MONDO:0012753, OMIM 611895.
Inborn genetic diseases. Identifiers: MedGen C0950123, MeSH D030342.

Allele frequency attached by ClinVar (database versions not stated): gnomAD below 0.00001 and 0.00020; TOPMed 0.00007; gnomAD exomes 0.00045 and 0.00096; ExAC 0.00095; 1000 Genomes Project 0.00180; 1000 Genomes Project 30x 0.00187.
gnomAD v4.1: 703 of 1,614,144 alleles (0.044%); highest among the groups gnomAD compares: South Asian, 0.72%; 6 homozygotes.

Submissions (5):

Labcorp Genetics (formerly Invitae), Labcorp
Classification: Benign. Last evaluated: 2026-01-21. Review status: criteria provided, single submitter. Criteria: Invitae Variant Classification Sherloc (09022015). Collection method: clinical testing. Allele origin: germline.

Ambry Genetics
Classification: Likely benign for Inborn genetic diseases. Last evaluated: 2022-04-19. Review status: criteria provided, single submitter. Criteria: Ambry Variant Classification Scheme 2023. Collection method: clinical testing. Allele origin: germline.

GeneDx
Classification: Benign. Last evaluated: 2021-03-15. Review status: criteria provided, single submitter. Criteria: GeneDx Variant Classification Process June 2021. Collection method: clinical testing. Allele origin: germline. Affected: yes.

Illumina Laboratory Services, Illumina
Classification: Likely benign for Amyotrophic lateral sclerosis type 9. Last evaluated: 2017-04-27. Review status: criteria provided, single submitter. Criteria: ICSL Variant Classification Criteria 13 December 2019. Collection method: clinical testing. Allele origin: germline.
Comment: This variant was observed as part of a predisposition screen in an ostensibly healthy population. A literature search was performed for the gene, cDNA change, and amino acid change (where applicable). No publications were found based on this search. Allele frequency data from public databases allowed determination this variant is unlikely to cause disease. Therefore, this variant is classified as likely benign.

Breakthrough Genomics
Classification: Likely benign. Review status: criteria provided, single submitter. Criteria: ACMG Guidelines, 2015. Collection method: not provided. Allele origin: germline. Inheritance: Unknown mechanism. Affected: yes.

NM_001097577.3(ANG):c.99C>T (p.Phe33=)

Genes: RNASE4 (ribonuclease A family member 4; plus strand), EGILA (EGFR interacting lncRNA; minus strand), ANG (angiogenin; plus strand). Cytogenetic location: 14q11.2.
Variant type: single nucleotide variant.
Coding change: c.99C>T on transcript NM_001097577.3 (MANE Select); coding-DNA position 99, C replaced by T.
Protein change: p.Phe33=; no amino-acid change (phenylalanine 33 retained).
Molecular consequence: synonymous variant. On other transcripts: non-coding transcript variant (1), intron variant (4).
Genome position (GRCh38, 1-based): chr14:20,693,663, C>T. VCF-style: chr14-20693663-C-T. GRCh37 (hg19) VCF-style: chr14-21161822-C-T.
Other names: c.99C>T, p.Phe33= (NM_001145.4, NM_001385271.1, NM_001385272.1 and 2 more transcripts); c.-18+13C>T (NM_001282192.2); c.-17-5692C>T (NM_002937.5, NM_001282193.2); c.-18+4789C>T (NM_194431.3).
Identifiers: ClinVar variation 312773 (VCV000312773.17), dbSNP rs563139057, ClinGen allele CA7083137.